The following is an entry in ClinVar:

NM_004817.4(TJP2):c.641A>G (p.Asp214Gly)

Gene: TJP2 (tight junction protein 2; plus strand). Cytogenetic location: 9q21.11.
Variant type: single nucleotide variant.
Coding change: c.641A>G on transcript NM_004817.4 (MANE Select); coding-DNA position 641, A replaced by G.
Protein change: p.Asp214Gly; replaces aspartic acid 214 with glycine.
Molecular consequence: missense variant.
Genome position (GRCh38, 1-based): chr9:69,221,185, A>G. VCF-style: chr9-69221185-A-G. GRCh37 (hg19) VCF-style: chr9-71836101-A-G.
Other names: c.572A>G, p.Asp191Gly (NM_001170414.2, NM_001369870.1, NM_001369871.1); c.653A>G, p.Asp218Gly (NM_001170415.1, NM_001369874.1, NM_001369875.1); c.734A>G, p.Asp245Gly (NM_001170416.2); c.641A>G, p.Asp214Gly (NM_001369872.1, NM_001369873.1, NM_201629.3); short protein forms D191G, D214G, D218G, D245G.
Identifiers: ClinVar variation 3371672 (VCV003371672.1).

ClinVar aggregate classification (germline): Uncertain significance (1 of 4 stars; one submission).

Submission:

GeneDx
Classification: Uncertain significance. Last evaluated: 2024-05-02. Review status: criteria provided, single submitter. Criteria: GeneDx Variant Classification Process June 2021. Collection method: clinical testing. Allele origin: germline. Affected: yes.
Comment: In silico analysis indicates that this missense variant does not alter protein structure/function; Has not been previously published as pathogenic or benign to our knowledge